The following is an entry in ClinVar:

ClinVar aggregate classification (germline): Uncertain significance (1 of 4 stars; one submission).

Conditions:
Leukocyte adhesion deficiency 1 (LAD1). Also called: LAD 1; Lymphocyte function-associated antigen 1 immunodeficiency; LFA 1 immunodeficiency; LEUKOCYTE ADHESION DEFICIENCY, TYPE I. Identifiers: Orphanet 2968, Orphanet 99842, MedGen C0398738, MONDO:0007293, OMIM 116920.

Allele frequency attached by ClinVar (database versions not stated): gnomAD exomes 0.00002 and 0.00003; TOPMed 0.00003; gnomAD 0.00004 and 0.00005; ExAC 0.00006; 1000 Genomes Project 0.00040; 1000 Genomes Project 30x 0.00047.
gnomAD v4.1: 39 of 1,604,818 alleles (0.0024%); highest among the groups gnomAD compares: African/African-American, 0.011%; no homozygotes.

Submission:

Labcorp Genetics (formerly Invitae), Labcorp
Classification: Uncertain significance for Leukocyte adhesion deficiency 1. Last evaluated: 2022-05-20. Review status: criteria provided, single submitter. Criteria: Invitae Variant Classification Sherloc (09022015). Collection method: clinical testing. Allele origin: germline.
Comment: This sequence change replaces alanine, which is neutral and non-polar, with threonine, which is neutral and polar, at codon 629 of the ITGB2 protein (p.Ala629Thr). This variant is present in population databases (rs200894474, gnomAD 0.01%). This variant has not been reported in the literature in individuals affected with ITGB2-related conditions. ClinVar contains an entry for this variant (Variation ID: 963098). Algorithms developed to predict the effect of missense changes on protein structure and function (SIFT, PolyPhen-2, Align-GVGD) all suggest that this variant is likely to be tolerated. In summary, the available evidence is currently insufficient to determine the role of this variant in disease. Therefore, it has been classified as a Variant of Uncertain Significance.

NM_000211.5(ITGB2):c.1885G>A (p.Ala629Thr)

Gene: ITGB2 (integrin subunit beta 2; minus strand). Cytogenetic location: 21q22.3.
Variant type: single nucleotide variant.
Coding change: c.1885G>A on transcript NM_000211.5 (MANE Select); coding-DNA position 1885, G replaced by A.
Protein change: p.Ala629Thr; replaces alanine 629 with threonine.
Molecular consequence: missense variant.
Genome position (GRCh38, 1-based): chr21:44,888,888, C>T on the plus strand (G>A on the coding strand, the complement: ITGB2 is on the minus strand). VCF-style: chr21-44888888-C-T. GRCh37 (hg19) VCF-style: chr21-46308803-C-T.
Other names: c.1885G>A, p.Ala629Thr (NM_001127491.3); c.1678G>A, p.Ala560Thr (NM_001303238.2); short protein forms A560T, A629T.
Identifiers: ClinVar variation 963098 (VCV000963098.7), dbSNP rs200894474, ClinGen allele CA10062644.